The following is an entry in ClinVar:

NM_000397.4(CYBB):c.603C>G (p.Tyr201Ter)

Gene: CYBB (cytochrome b-245 beta chain; plus strand). Cytogenetic location: Xp21.1.
Variant type: single nucleotide variant.
Coding change: c.603C>G on transcript NM_000397.4 (MANE Select); coding-DNA position 603, C replaced by G.
Protein change: p.Tyr201Ter; replaces tyrosine 201 with a stop codon.
Molecular consequence: nonsense.
Genome position (GRCh38, 1-based): chrX:37,796,070, C>G. VCF-style: chrX-37796070-C-G. GRCh37 (hg19) VCF-style: chrX-37655323-C-G.
Other names: short protein forms Y201*.
Identifiers: ClinVar variation 1076169 (VCV001076169.9), dbSNP rs2146811786, ClinGen allele CA412976223.
Genomic context (GRCh38, chrX:37,796,070, plus strand): 5'-CATCACGCTGTGCCTCATATTAATTATCACTTCCTCCACCAAAACCATCCGGAGGTCTTA[C>G]TTTGAAGTCTTTTGGTACACACATCATCTCTTTGTGATCTTCTTCATTGGCCTTGCCATC-3'

ClinVar aggregate classification (germline): Pathogenic (1 of 4 stars; one submission).

Conditions:
Granulomatous disease, chronic, X-linked. Also called: CYTOCHROME b-NEGATIVE GRANULOMATOUS DISEASE, CHRONIC, X-LINKED; GRANULOMATOUS DISEASE, CHRONIC, X-LINKED, SOMATIC MOSAIC. Identifiers: Orphanet 379, MedGen C1844376, MONDO:0010600, OMIM 306400.

Submission:

Labcorp Genetics (formerly Invitae), Labcorp
Classification: Pathogenic for Granulomatous disease, chronic, X-linked. Last evaluated: 2020-02-28. Review status: criteria provided, single submitter. Criteria: Invitae Variant Classification Sherloc (09022015). Collection method: clinical testing. Allele origin: germline.
Comment: This sequence change creates a premature translational stop signal (p.Tyr201*) in the CYBB gene. It is expected to result in an absent or disrupted protein product. This variant is not present in population databases (ExAC no frequency). This variant has been observed in individual(s) with chronic granulomatous disease (PMID: 20729109). Loss-of-function variants in CYBB are known to be pathogenic (PMID: 9585602, 20729109). For these reasons, this variant has been classified as Pathogenic.

Literature cited by the submitters: PubMed 20729109; PubMed 9585602.